The following is an entry in ClinVar:

ClinVar aggregate classification (germline): Uncertain significance (1 of 4 stars; one submission).

Submission:

Labcorp Genetics (formerly Invitae), Labcorp
Classification: Uncertain significance. Last evaluated: 2025-12-18. Review status: criteria provided, single submitter. Criteria: Invitae Variant Classification Sherloc (09022015). Collection method: clinical testing. Allele origin: germline.
Comment: This sequence change replaces aspartic acid, which is acidic and polar, with alanine, which is neutral and non-polar, at codon 1245 of the PIEZO2 protein (p.Asp1245Ala). This variant is not present in population databases (gnomAD no frequency). This variant has not been reported in the literature in individuals affected with PIEZO2-related conditions. Invitae Evidence Modeling of protein sequence and biophysical properties (such as structural, functional, and spatial information, amino acid conservation, physicochemical variation, residue mobility, and thermodynamic stability) indicates that this missense variant is not expected to disrupt PIEZO2 protein function with a negative predictive value of 80%. In summary, the available evidence is currently insufficient to determine the role of this variant in disease. Therefore, it has been classified as a Variant of Uncertain Significance.

NM_001378183.1(PIEZO2):c.3809A>C (p.Asp1270Ala)

Gene: PIEZO2 (piezo type mechanosensitive ion channel component 2; minus strand). Cytogenetic location: 18p11.22.
Variant type: single nucleotide variant.
Coding change: c.3809A>C on transcript NM_001378183.1 (MANE Select); coding-DNA position 3809, A replaced by C.
Protein change: p.Asp1270Ala; replaces aspartic acid 1270 with alanine.
Molecular consequence: missense variant.
Genome position (GRCh38, 1-based): chr18:10,758,083, T>G on the plus strand (A>C on the coding strand, the complement: PIEZO2 is on the minus strand). VCF-style: chr18-10758083-T-G. GRCh37 (hg19) VCF-style: chr18-10758081-T-G.
Other names: c.3809A>C, p.Asp1270Ala (NM_001410871.1); c.3734A>C, p.Asp1245Ala (NM_022068.4); short protein forms D1270A, D1245A.
Identifiers: ClinVar variation 4746359 (VCV004746359.1).